The following is an entry in ClinVar:

NM_019098.5(CNGB3):c.1807dup (p.Arg603fs)

Gene: CNGB3 (cyclic nucleotide gated channel subunit beta 3; minus strand). Cytogenetic location: 8q21.3.
Variant type: Duplication.
Coding change: c.1807dup on transcript NM_019098.5 (MANE Select); coding-DNA position 1807, one base duplicated (C; older notation c.1807dupC).
Protein change: p.Arg603fs; shifts the reading frame from arginine 603.
Molecular consequence: frameshift variant.
Genome position (GRCh38, 1-based): chr8:86,579,227, G duplicated on the plus strand (C on the coding strand, the reverse complement: CNGB3 is on the minus strand); the first of 2 consecutive G bases (chr8:86,579,227-86,579,228); duplicating either gives the same sequence. VCF-style (leftmost placement, unchanged base first): chr8-86579226-C-CG. GRCh37 (hg19) VCF-style: chr8-87591454-C-CG.
Other names: short protein forms R603fs.
Identifiers: ClinVar variation 5012051 (VCV005012051.1).

ClinVar aggregate classification (germline): Pathogenic (1 of 4 stars; one submission).

Conditions:
Achromatopsia 3 (ACHM3). Also called: ACHROMATOPSIA WITH MYOPIA; PINGELAPESE BLINDNESS; TOTAL COLORBLINDNESS WITH MYOPIA; ROD MONOCHROMACY 1; ROD MONOCHROMATISM 1. Identifiers: Orphanet 49382, MedGen C1849792, MONDO:0009875, OMIM 262300.

Submission:

Myriad Genetics, Inc.
Classification: Pathogenic for Achromatopsia 3. Last evaluated: 2023-09-27. Review status: criteria provided, single submitter. Criteria: Myriad Autosomal Dominant, Autosomal Recessive and X-Linked Classification Criteria (2023). Collection method: clinical testing. Allele origin: unknown.
Comment: NM_019098.4(CNGB3):c.1807dupC(R603Pfs*33) is expected to be pathogenic in the context of achromatopsia, CNGB3-related. This variant is predicted to lead to an abnormal or absent protein product due to the creation of a premature termination codon in CNGB3, a gene where loss-of-function variants are known to be pathogenic. Please note: this variant was assessed in the context of healthy population screening.